The following is an entry in ClinVar:

ClinVar aggregate classification (germline): Uncertain significance. Review status: criteria provided, multiple submitters, no conflicts (2 of 4 stars). 2 submissions from 2 submitters: Uncertain significance (2). Last evaluated 2024-01-30.

Conditions:
Autosomal dominant hypocalcemia 2. Identifiers: Orphanet 2238, Orphanet 428, MedGen C3809243, MONDO:0014146, OMIM 615361.
Familial hypocalciuric hypercalcemia 2. Also called: FAMILIAL BENIGN HYPERCALCEMIA, TYPE II; Hypocalciuric hypercalcemia, familial, type II; Hypocalciuric hypercalcemia, type II. Identifiers: Orphanet 101049, Orphanet 405, MedGen C1840347, MONDO:0007792, OMIM 145981.

Submissions (2):

Fulgent Genetics
Classification: Uncertain significance for Familial hypocalciuric hypercalcemia 2; Autosomal dominant hypocalcemia 2. Last evaluated: 2024-01-30. Review status: criteria provided, single submitter. Criteria: ACMG Guidelines, 2015. Collection method: clinical testing. Allele origin: germline.

Labcorp Genetics (formerly Invitae), Labcorp
Classification: Uncertain significance. Last evaluated: 2023-09-08. Review status: criteria provided, single submitter. Criteria: Invitae Variant Classification Sherloc (09022015). Collection method: clinical testing. Allele origin: germline.
Comment: This sequence change affects codon 149 of the GNA11 mRNA. It is a 'silent' change, meaning that it does not change the encoded amino acid sequence of the GNA11 protein. This variant is not present in population databases (gnomAD no frequency). This variant has not been reported in the literature in individuals affected with GNA11-related conditions. ClinVar contains an entry for this variant (Variation ID: 2026827). Algorithms developed to predict the effect of sequence changes on RNA splicing suggest that this variant may create or strengthen a splice site. In summary, the available evidence is currently insufficient to determine the role of this variant in disease. Therefore, it has been classified as a Variant of Uncertain Significance.

NM_002067.5(GNA11):c.447C>T (p.Arg149=)

Gene: GNA11 (G protein subunit alpha 11; plus strand). Cytogenetic location: 19p13.3.
Variant type: single nucleotide variant.
Coding change: c.447C>T on transcript NM_002067.5 (MANE Select); coding-DNA position 447, C replaced by T.
Protein change: p.Arg149=; no amino-acid change (arginine 149 retained).
Molecular consequence: synonymous variant.
Genome position (GRCh38, 1-based): chr19:3,113,455, C>T. VCF-style: chr19-3113455-C-T. GRCh37 (hg19) VCF-style: chr19-3113453-C-T.
Identifiers: ClinVar variation 2026827 (VCV002026827.5), dbSNP rs2145318876, ClinGen allele CA504941907.